The following is an entry in ClinVar:

ClinVar aggregate classification (germline): Uncertain significance (1 of 4 stars; one submission).

gnomAD v4.1: 2 of 1,613,174 alleles (0.00012%); highest among the groups gnomAD compares: South Asian, 0.0022%; no homozygotes.

Submission:

Labcorp Genetics (formerly Invitae), Labcorp
Classification: Uncertain significance. Last evaluated: 2024-09-05. Review status: criteria provided, single submitter. Criteria: Invitae Variant Classification Sherloc (09022015). Collection method: clinical testing. Allele origin: germline.
Comment: This sequence change replaces arginine, which is basic and polar, with serine, which is neutral and polar, at codon 363 of the TRPV3 protein (p.Arg363Ser). This variant is not present in population databases (gnomAD no frequency). This variant has not been reported in the literature in individuals affected with TRPV3-related conditions. An algorithm developed to predict the effect of missense changes on protein structure and function (PolyPhen-2) suggests that this variant is likely to be disruptive. In summary, the available evidence is currently insufficient to determine the role of this variant in disease. Therefore, it has been classified as a Variant of Uncertain Significance.

NM_145068.4(TRPV3):c.1087C>A (p.Arg363Ser)

Gene: TRPV3 (transient receptor potential cation channel subfamily V member 3; minus strand). Cytogenetic location: 17p13.2.
Variant type: single nucleotide variant.
Coding change: c.1087C>A on transcript NM_145068.4 (MANE Select); coding-DNA position 1087, C replaced by A.
Protein change: p.Arg363Ser; replaces arginine 363 with serine.
Molecular consequence: missense variant.
Genome position (GRCh38, 1-based): chr17:3,530,182, G>T on the plus strand (C>A on the coding strand, the complement: TRPV3 is on the minus strand). VCF-style: chr17-3530182-G-T. GRCh37 (hg19) VCF-style: chr17-3433476-G-T.
Other names: c.1087C>A, p.Arg363Ser (NM_001258205.2); short protein forms R363S.
Identifiers: ClinVar variation 3632714 (VCV003632714.2).